The following is an entry in ClinVar:

ClinVar aggregate classification (germline): Benign/Likely benign. Review status: criteria provided, multiple submitters, no conflicts (2 of 4 stars). 3 submissions from 3 submitters: Benign (1); Likely benign (2). Last evaluated 2025-12-05.

Conditions:
SLC2A9-related disorder. Also called: SLC2A9-related condition.

Allele frequency attached by ClinVar (database versions not stated): gnomAD exomes 0.00013 and 0.00033; ExAC 0.00036; 1000 Genomes Project 30x 0.00094; gnomAD 0.00113 and 0.00123; 1000 Genomes Project 0.00120; TOPMed 0.00135; ESP Exome Variant Server 0.00138.
gnomAD v4.1: 361 of 1,613,104 alleles (0.022%); highest among the groups gnomAD compares: African/African-American, 0.45%; 2 homozygotes.

Submissions (3):

Mayo Clinic Laboratories, Mayo Clinic
Classification: Likely benign. Last evaluated: 2025-12-05. Review status: criteria provided, single submitter. Criteria: ACMG Guidelines, 2015. Collection method: clinical testing. Allele origin: germline. Observed: 1 variant allele.
Comment: BS1, BP4, BP7

Labcorp Genetics (formerly Invitae), Labcorp
Classification: Benign. Last evaluated: 2025-10-29. Review status: criteria provided, single submitter. Criteria: Invitae Variant Classification Sherloc (09022015). Collection method: clinical testing. Allele origin: germline.

PreventionGenetics, part of Exact Sciences
Classification: Likely benign for SLC2A9-related condition. Last evaluated: 2025-03-31. Review status: criteria provided, single submitter. Criteria: ACMG Guidelines, 2015. Collection method: clinical testing. Allele origin: germline.
Comment: This variant is classified as likely benign based on ACMG/AMP sequence variant interpretation guidelines (Richards et al. 2015 PMID: 25741868, with internal and published modifications).

NM_020041.3(SLC2A9):c.1292-6C>T

Gene: SLC2A9 (solute carrier family 2 member 9; minus strand). Cytogenetic location: 4p16.1.
Variant type: single nucleotide variant.
Coding change: c.1292-6C>T on transcript NM_020041.3 (MANE Select); 6 bases into the intron before coding-DNA position 1292, C replaced by T.
Molecular consequence: intron variant.
Genome position (GRCh38, 1-based): chr4:9,835,014, G>A on the plus strand (C>T on the coding strand, the complement: SLC2A9 is on the minus strand). VCF-style: chr4-9835014-G-A. GRCh37 (hg19) VCF-style: chr4-9836638-G-A.
Other names: p.?; c.1205-6C>T (NM_001001290.2).
Identifiers: ClinVar variation 736857 (VCV000736857.13), dbSNP rs372628073, ClinGen allele CA2856898.